The following is an entry in ClinVar:

ClinVar aggregate classification (germline): Benign/Likely benign. Review status: criteria provided, multiple submitters, no conflicts (2 of 4 stars). 4 submissions from 4 submitters: Benign (2); Likely benign (2). Last evaluated 2026-04-01.

Conditions:
Hyperekplexia 3 (HKPX3). Also called: HYPEREKPLEXIA 3, AUTOSOMAL RECESSIVE; HYPEREKPLEXIA 3, AUTOSOMAL DOMINANT. Identifiers: Orphanet 3197, MedGen C3553288, MONDO:0013827, OMIM 614618.

Allele frequency attached by ClinVar (database versions not stated): 1000 Genomes Project 0.00339; 1000 Genomes Project 30x 0.00437; TOPMed 0.00647; ExAC 0.00752; gnomAD 0.00757 and 0.00773; ESP Exome Variant Server 0.00777.
gnomAD v4.1: 15,899 of 1,611,348 alleles (0.99%); highest among the groups gnomAD compares: Non-Finnish European, 1.2%; 100 homozygotes.

Submissions (4):

CeGaT Center for Human Genetics Tuebingen
Classification: Benign. Last evaluated: 2026-04-01. Review status: criteria provided, single submitter. Criteria: CeGaT Center For Human Genetics Tuebingen Variant Classification Criteria Version 2. Collection method: clinical testing. Allele origin: germline. Affected: yes. Observed: 4 variant alleles.
Comment: SLC6A5: BP4, BP7, BS1, BS2

Labcorp Genetics (formerly Invitae), Labcorp
Classification: Benign for Hyperekplexia 3. Last evaluated: 2026-02-03. Review status: criteria provided, single submitter. Criteria: Invitae Variant Classification Sherloc (09022015). Collection method: clinical testing. Allele origin: germline.

Fulgent Genetics
Classification: Likely benign for Hyperekplexia 3. Last evaluated: 2021-12-14. Review status: criteria provided, single submitter. Criteria: ACMG Guidelines, 2015. Collection method: clinical testing. Allele origin: unknown.

Breakthrough Genomics
Classification: Likely benign. Review status: criteria provided, single submitter. Criteria: ACMG Guidelines, 2015. Collection method: not provided. Allele origin: germline. Inheritance: Autosomal dominant inheritance. Affected: yes.

NM_004211.5(SLC6A5):c.342C>G (p.Pro114=)

Gene: SLC6A5 (solute carrier family 6 member 5; plus strand). Cytogenetic location: 11p15.1.
Variant type: single nucleotide variant.
Coding change: c.342C>G on transcript NM_004211.5 (MANE Select); coding-DNA position 342, C replaced by G.
Protein change: p.Pro114=; no amino-acid change (proline 114 retained).
Molecular consequence: synonymous variant. On other transcripts: 5 prime UTR variant (1).
Genome position (GRCh38, 1-based): chr11:20,601,467, C>G. VCF-style: chr11-20601467-C-G. GRCh37 (hg19) VCF-style: chr11-20623013-C-G.
Other names: c.-222C>G (NM_001318369.2).
Identifiers: ClinVar variation 304004 (VCV000304004.37), dbSNP rs61736605, ClinGen allele CA5921050.
Genomic context (GRCh38, chr11:20,601,467, plus strand): 5'-GCGGGACTTGAGAGAGGCGCAAGGCGCGCAGGCCTCGCCCCCTCCCGGGAGCTCCGGGCC[C>G]GGCAACGCGCTGCACTGTAAGATCCCTTTTCTGCGAGGCCCGGAGGGGGATGCGAACGTG-3'
Protein context (NP_004202.4, residues 104-124): QASPPPGSSG[Pro114=]GNALHCKIPF